The following is an entry in ClinVar:

NM_000122.2(ERCC3):c.2072C>T (p.Thr691Met)

Gene: ERCC3 (ERCC excision repair 3, TFIIH core complex helicase subunit; minus strand). Cytogenetic location: 2q14.3.
Variant type: single nucleotide variant.
Coding change: c.2072C>T on transcript NM_000122.2 (MANE Select); coding-DNA position 2072, C replaced by T.
Protein change: p.Thr691Met; replaces threonine 691 with methionine.
Molecular consequence: missense variant.
Genome position (GRCh38, 1-based): chr2:127,259,441, G>A on the plus strand (C>T on the coding strand, the complement: ERCC3 is on the minus strand). VCF-style: chr2-127259441-G-A. GRCh37 (hg19) VCF-style: chr2-128017017-G-A.
Other names: c.1880C>T, p.Thr627Met (NM_001303416.2, NM_001303418.2); short protein forms T627M, T691M.
Identifiers: ClinVar variation 1406739 (VCV001406739.3), dbSNP rs768246711, ClinGen allele CA1858094.

ClinVar aggregate classification (germline): Uncertain significance (1 of 4 stars; one submission).

Allele frequency attached by ClinVar (database versions not stated): gnomAD 0.00002 and 0.00003; gnomAD exomes 0.00002 and 0.00003; TOPMed 0.00003; ExAC 0.00005.
gnomAD v4.1: 41 of 1,613,966 alleles (0.0025%); highest among the groups gnomAD compares: East Asian, 0.016%; no homozygotes.

Submission:

Labcorp Genetics (formerly Invitae), Labcorp
Classification: Uncertain significance. Last evaluated: 2022-02-27. Review status: criteria provided, single submitter. Criteria: Invitae Variant Classification Sherloc (09022015). Collection method: clinical testing. Allele origin: germline.
Comment: This sequence change replaces threonine, which is neutral and polar, with methionine, which is neutral and non-polar, at codon 691 of the ERCC3 protein (p.Thr691Met). This variant is present in population databases (rs768246711, gnomAD 0.04%). This variant has not been reported in the literature in individuals affected with ERCC3-related conditions. Algorithms developed to predict the effect of missense changes on protein structure and function are either unavailable or do not agree on the potential impact of this missense change (SIFT: "Deleterious"; PolyPhen-2: "Probably Damaging"; Align-GVGD: "Class C0"). In summary, the available evidence is currently insufficient to determine the role of this variant in disease. Therefore, it has been classified as a Variant of Uncertain Significance.